The following is an entry in ClinVar:

ClinVar aggregate classification (germline): Uncertain significance. Review status: criteria provided, multiple submitters, no conflicts (2 of 4 stars). 3 submissions from 3 submitters: Uncertain significance (3). Last evaluated 2025-10-06.

Conditions:
Carney-Stratakis syndrome. Also called: PARAGANGLIOMA AND GASTROINTESTINAL STROMAL TUMOR. Identifiers: Orphanet 97286, MedGen C1847319, MONDO:0011740, OMIM 606864.
Cowden syndrome 3 (CWS3). Identifiers: Orphanet 201, MedGen CN166604, MONDO:0014045.
Pheochromocytoma. Also called: MAX-Related Hereditary Paraganglioma-Pheochromocytoma Syndrome. Identifiers: Orphanet 29072, MedGen C0031511, MONDO:0008233, OMIM 171300, HP:0002666.
Paragangliomas with sensorineural hearing loss. Identifiers: MedGen C1868633.
Hereditary cancer-predisposing syndrome. Also called: Tumor predisposition; Hereditary Cancer Syndrome; Hereditary neoplastic syndrome; Neoplastic Syndromes, Hereditary. Identifiers: Orphanet 140162, MedGen C0027672, MeSH D009386, MONDO:0015356.
Hereditary pheochromocytoma and paraganglioma. Also called: Hereditary paragangliomas and pheochromocytomas; Hereditary Paraganglioma-Pheochromocytoma Syndromes; Hereditary pheochromocytoma-paraganglioma. Identifiers: Orphanet 29072, MedGen C4274332, MONDO:0017366.

Allele frequency attached by ClinVar (database versions not stated): ExAC 0.00002; gnomAD exomes 0.00002.

Submissions (3):

Labcorp Genetics (formerly Invitae), Labcorp
Classification: Uncertain significance for Carney-Stratakis syndrome; Paragangliomas with sensorineural hearing loss; Pheochromocytoma; Cowden syndrome 3. Last evaluated: 2025-10-06. Review status: criteria provided, single submitter. Criteria: Invitae Variant Classification Sherloc (09022015). Collection method: clinical testing. Allele origin: germline.
Comment: This sequence change replaces leucine, which is neutral and non-polar, with proline, which is neutral and non-polar, at codon 19 of the SDHD protein (p.Leu19Pro). This variant is present in population databases (rs574698019, gnomAD 0.004%). This variant has not been reported in the literature in individuals affected with SDHD-related conditions. ClinVar contains an entry for this variant (Variation ID: 1413592). Invitae Evidence Modeling of protein sequence and biophysical properties (such as structural, functional, and spatial information, amino acid conservation, physicochemical variation, residue mobility, and thermodynamic stability) indicates that this missense variant is expected to disrupt SDHD protein function with a positive predictive value of 95%. In summary, the available evidence is currently insufficient to determine the role of this variant in disease. Therefore, it has been classified as a Variant of Uncertain Significance.

Ambry Genetics
Classification: Uncertain significance for Hereditary cancer-predisposing syndrome. Last evaluated: 2025-04-05. Review status: criteria provided, single submitter. Criteria: Ambry Variant Classification Scheme 2023. Collection method: clinical testing. Allele origin: germline.
Comment: The p.L19P variant (also known as c.56T>C), located in coding exon 2 of the SDHD gene, results from a T to C substitution at nucleotide position 56. The leucine at codon 19 is replaced by proline, an amino acid with similar properties. This amino acid position is conserved. In addition, this alteration is predicted to be deleterious by in silico analysis. Since supporting evidence is limited at this time, the clinical significance of this alteration remains unclear.

All of Us Research Program, National Institutes of Health
Classification: Uncertain significance for Hereditary pheochromocytoma and paraganglioma. Last evaluated: 2024-06-11. Review status: criteria provided, single submitter. Criteria: ACMG Guidelines, 2015. Collection method: clinical testing. Allele origin: germline. Inheritance: Autosomal dominant inheritance. Observed: 1 variant allele, 1 heterozygote.
Comment: This study involves interpretation of variants in research participants for the purpose of population health screening. Participant phenotype was not available at the time of variant classification. Additional details can be found in publication PMID: 35346344, PMCID: PMC8962531

NM_003002.4(SDHD):c.56T>C (p.Leu19Pro)

Gene: SDHD (succinate dehydrogenase complex subunit D; plus strand). Cytogenetic location: 11q23.1.
Variant type: single nucleotide variant.
Coding change: c.56T>C on transcript NM_003002.4 (MANE Select); coding-DNA position 56, T replaced by C.
Protein change: p.Leu19Pro; replaces leucine 19 with proline.
Molecular consequence: missense variant. On other transcripts: non-coding transcript variant (1), intron variant (1).
Genome position (GRCh38, 1-based): chr11:112,087,860, T>C. VCF-style: chr11-112087860-T-C. GRCh37 (hg19) VCF-style: chr11-111958584-T-C.
Other names: c.56T>C (NM_003002.2); c.56T>C, p.Leu19Pro (NM_001276503.2, NM_001276506.2); c.52+901T>C (NM_001276504.2); short protein forms L19P.
Identifiers: ClinVar variation 1413592 (VCV001413592.11), dbSNP rs574698019, ClinGen allele CA071527.